The following is an entry in ClinVar:

NM_000548.5(TSC2):c.1599+4A>T

Gene: TSC2 (TSC complex subunit 2; plus strand). Cytogenetic location: 16p13.3.
Variant type: single nucleotide variant.
Coding change: c.1599+4A>T on transcript NM_000548.5 (MANE Select); 4 bases into the intron after coding-DNA position 1599, A replaced by T.
Molecular consequence: intron variant.
Genome position (GRCh38, 1-based): chr16:2,064,431, A>T. VCF-style: chr16-2064431-A-T. GRCh37 (hg19) VCF-style: chr16-2114432-A-T.
Other names: c.255+4A>T (NM_001406693.1, NM_001406689.1, NM_001406690.1 and 6 more transcripts); c.1689+4A>T (NM_001406667.1, NM_001406668.1); c.999+4A>T (NM_001406680.1, NM_001406683.1, NM_001406687.1 and 6 more transcripts); c.-4+4A>T (NM_001406698.1); c.1599+4A>T (NM_001114382.3, NM_001406663.1, NM_001406664.1 and 6 more transcripts); c.1587+4A>T (NM_001406671.1, NM_001406673.1); c.1137+4A>T (NM_001406681.1); c.1488+4A>T (NM_001406670.1, NM_001318827.2, NM_001406678.1); and 3 more.
Identifiers: ClinVar variation 3578788 (VCV003578788.3).

ClinVar aggregate classification (germline): Conflicting classifications of pathogenicity. Review status: criteria provided, conflicting classifications (1 of 4 stars). 2 submissions from 2 submitters: Likely pathogenic (1); Uncertain significance (1). Last evaluated 2024-06-14.

Conditions:
Lymphangiomyomatosis (LAM). Also called: Lymphangioleiomyomatosis; Lymphangioleiomyomatosis, somatic. Identifiers: Orphanet 538, MedGen C0751674, MONDO:0011705, OMIM 606690.
Tuberous sclerosis 2 (TSC2). Identifiers: Orphanet 805, MedGen C1860707, MONDO:0013199, OMIM 613254.
Isolated focal cortical dysplasia type II (FCORD2). Also called: CORTICAL DYSPLASIA OF TAYLOR; Focal cortical dysplasia type II. Identifiers: Orphanet 268994, MedGen C1846385, MONDO:0011818, OMIM 607341, HP:0032051.

Submissions (2):

Labcorp Genetics (formerly Invitae), Labcorp
Classification: Uncertain significance for Tuberous sclerosis 2. Last evaluated: 2024-06-14. Review status: criteria provided, single submitter. Criteria: Invitae Variant Classification Sherloc (09022015). Collection method: clinical testing. Allele origin: germline.
Comment: This sequence change falls in intron 15 of the TSC2 gene. It does not directly change the encoded amino acid sequence of the TSC2 protein. It affects a nucleotide within the consensus splice site. This variant is not present in population databases (gnomAD no frequency). This variant has not been reported in the literature in individuals affected with TSC2-related conditions. Variants that disrupt the consensus splice site are a relatively common cause of aberrant splicing (PMID: 17576681, 9536098). Algorithms developed to predict the effect of sequence changes on RNA splicing suggest that this variant may disrupt the consensus splice site. In summary, the available evidence is currently insufficient to determine the role of this variant in disease. Therefore, it has been classified as a Variant of Uncertain Significance.

Fulgent Genetics
Classification: Likely pathogenic for Lymphangiomyomatosis; Isolated focal cortical dysplasia type II; Tuberous sclerosis 2. Last evaluated: 2024-06-06. Review status: criteria provided, single submitter. Criteria: ACMG Guidelines, 2015. Collection method: clinical testing. Allele origin: germline.

Literature cited by the submitters: PubMed 17576681 (cited by Labcorp Genetics (formerly Invitae), Labcorp); PubMed 9536098 (cited by Labcorp Genetics (formerly Invitae), Labcorp).